The following is an entry in ClinVar:

ClinVar aggregate classification (germline): Uncertain significance (1 of 4 stars; one submission).

Conditions:
Inborn genetic diseases. Identifiers: MedGen C0950123, MeSH D030342.

gnomAD v4.1: 1 of 1,613,878 alleles (0.000062%); highest among the groups gnomAD compares: South Asian, 0.0011%; no homozygotes.

Submission:

Ambry Genetics
Classification: Uncertain significance for Inborn genetic diseases. Last evaluated: 2026-02-16. Review status: criteria provided, single submitter. Criteria: Ambry Variant Classification Scheme 2023. Collection method: clinical testing. Allele origin: germline.
Comment: The p.Y1093N variant (also known as c.3277T>A), located in coding exon 1 of the SAMD9L gene, results from a T to A substitution at nucleotide position 3277. The tyrosine at codon 1093 is replaced by asparagine, an amino acid with dissimilar properties. This amino acid position is conserved. In addition, the in silico prediction for this alteration is inconclusive. Based on the available evidence, the clinical significance of this variant remains unclear.

NM_152703.5(SAMD9L):c.3277T>A (p.Tyr1093Asn)

Gene: SAMD9L (sterile alpha motif domain containing 9 like; minus strand). Cytogenetic location: 7q21.2.
Variant type: single nucleotide variant.
Coding change: c.3277T>A on transcript NM_152703.5 (MANE Select); coding-DNA position 3277, T replaced by A.
Protein change: p.Tyr1093Asn; replaces tyrosine 1093 with asparagine.
Molecular consequence: missense variant.
Genome position (GRCh38, 1-based): chr7:93,132,695, A>T on the plus strand (T>A on the coding strand, the complement: SAMD9L is on the minus strand). VCF-style: chr7-93132695-A-T. GRCh37 (hg19) VCF-style: chr7-92762008-A-T.
Other names: c.3277T>A, p.Tyr1093Asn (NM_001303498.3, NM_001303500.3, NM_001350082.2 and 5 more transcripts); short protein forms Y1093N.
Identifiers: ClinVar variation 4844831 (VCV004844831.1).